The following is an entry in ClinVar:

NM_133433.4(NIPBL):c.1991A>T (p.Asn664Ile)

Gene: NIPBL (NIPBL cohesin loading factor; plus strand). Cytogenetic location: 5p13.2.
Variant type: single nucleotide variant.
Coding change: c.1991A>T on transcript NM_133433.4 (MANE Select); coding-DNA position 1991, A replaced by T.
Protein change: p.Asn664Ile; replaces asparagine 664 with isoleucine.
Molecular consequence: missense variant.
Genome position (GRCh38, 1-based): chr5:36,985,171, A>T. VCF-style: chr5-36985171-A-T. GRCh37 (hg19) VCF-style: chr5-36985273-A-T.
Other names: c.1991A>T, p.Asn664Ile (NM_015384.5); short protein forms N664I.
Identifiers: ClinVar variation 3592251 (VCV003592251.2).

ClinVar aggregate classification (germline): Uncertain significance. Review status: criteria provided, multiple submitters, no conflicts (2 of 4 stars). 2 submissions from 2 submitters: Uncertain significance (2). Last evaluated 2025-05-22.

Conditions:
Cornelia de Lange syndrome 1 (CDLS1). Also called: TYPUS DEGENERATIVUS AMSTELODAMENSIS; Brachmann de Lange syndrome; NIPBL-Related Cornelia de Lange Syndrome. Identifiers: Orphanet 199, MedGen C4551851, MONDO:0007387, OMIM 122470.

gnomAD v4.1: 2 of 1,613,866 alleles (0.00012%); highest among the groups gnomAD compares: Admixed American, 0.0017%; no homozygotes.

Submissions (2):

Labcorp Genetics (formerly Invitae), Labcorp
Classification: Uncertain significance for Cornelia de Lange syndrome 1. Last evaluated: 2025-05-22. Review status: criteria provided, single submitter. Criteria: Invitae Variant Classification Sherloc (09022015). Collection method: clinical testing. Allele origin: germline.
Comment: This sequence change replaces asparagine, which is neutral and polar, with isoleucine, which is neutral and non-polar, at codon 664 of the NIPBL protein (p.Asn664Ile). This variant is not present in population databases (gnomAD no frequency). This variant has not been reported in the literature in individuals affected with NIPBL-related conditions. ClinVar contains an entry for this variant (Variation ID: 3592251). Invitae Evidence Modeling of protein sequence and biophysical properties (such as structural, functional, and spatial information, amino acid conservation, physicochemical variation, residue mobility, and thermodynamic stability) indicates that this missense variant is not expected to disrupt NIPBL protein function with a negative predictive value of 95%. In summary, the available evidence is currently insufficient to determine the role of this variant in disease. Therefore, it has been classified as a Variant of Uncertain Significance.

Fulgent Genetics
Classification: Uncertain significance for Cornelia de Lange syndrome 1. Last evaluated: 2024-06-03. Review status: criteria provided, single submitter. Criteria: ACMG Guidelines, 2015. Collection method: clinical testing. Allele origin: germline.